The following is an entry in ClinVar:

NM_024120.5(NDUFAF5):c.328-2A>G

Gene: NDUFAF5 (NADH:ubiquinone oxidoreductase complex assembly factor 5; plus strand). Cytogenetic location: 20p12.1.
Variant type: single nucleotide variant.
Coding change: c.328-2A>G on transcript NM_024120.5 (MANE Select); the canonical splice acceptor site of the intron before coding-DNA position 328, A replaced by G.
Molecular consequence: splice acceptor variant, initiator codon variant. On other transcripts: missense variant (1), 5 prime UTR variant (1), non-coding transcript variant (2).
Genome position (GRCh38, 1-based): chr20:13,793,178, A>G. VCF-style: chr20-13793178-A-G. GRCh37 (hg19) VCF-style: chr20-13773824-A-G.
Other names: c.-40-2A>G (NM_001352403.2); c.328-2A>G (NM_001352408.2); c.346A>G, p.Arg116Gly (NM_001039375.3); c.-236A>G (NM_001352406.2); c.-234-2A>G (NM_001352407.2); short protein forms R116G.
Identifiers: ClinVar variation 1976579 (VCV001976579.6), dbSNP rs2516141769, ClinGen allele CA408268107.

ClinVar aggregate classification (germline): Likely pathogenic (1 of 4 stars; one submission).

Submission:

Labcorp Genetics (formerly Invitae), Labcorp
Classification: Likely pathogenic. Last evaluated: 2022-01-28. Review status: criteria provided, single submitter. Criteria: Invitae Variant Classification Sherloc (09022015). Collection method: clinical testing. Allele origin: germline.
Comment: In summary, the currently available evidence indicates that the variant is pathogenic, but additional data are needed to prove that conclusively. Therefore, this variant has been classified as Likely Pathogenic. Algorithms developed to predict the effect of sequence changes on RNA splicing suggest that this variant may disrupt the consensus splice site. This variant has not been reported in the literature in individuals affected with NDUFAF5-related conditions. This variant is not present in population databases (gnomAD no frequency). This sequence change affects an acceptor splice site in intron 3 of the NDUFAF5 gene. It is expected to disrupt RNA splicing. Variants that disrupt the donor or acceptor splice site typically lead to a loss of protein function (PMID: 16199547), and loss-of-function variants in NDUFAF5 are known to be pathogenic (PMID: 26275793, 30473481, 32918965).

Literature cited by the submitters: PubMed 16199547; PubMed 26275793; PubMed 30473481; PubMed 32918965.